The following is an entry in ClinVar:

NM_004320.6(ATP2A1):c.2634G>A (p.Glu878=)

Gene: ATP2A1 (ATPase sarcoplasmic/endoplasmic reticulum Ca2+ transporting 1; plus strand). Cytogenetic location: 16p11.2.
Variant type: single nucleotide variant.
Coding change: c.2634G>A on transcript NM_004320.6 (MANE Select); coding-DNA position 2634, G replaced by A.
Protein change: p.Glu878=; no amino-acid change (glutamic acid 878 retained).
Molecular consequence: synonymous variant.
Genome position (GRCh38, 1-based): chr16:28,902,801, G>A. VCF-style: chr16-28902801-G-A. GRCh37 (hg19) VCF-style: chr16-28914122-G-A.
Other names: c.2259G>A, p.Glu753= (NM_001286075.2); c.2634G>A, p.Glu878= (NM_173201.5).
Identifiers: ClinVar variation 387296 (VCV000387296.11), dbSNP rs763991120, ClinGen allele CA7987342.
Genomic context (GRCh38, chr16:28,902,801, plus strand): 5'-TGGCCCTGGACCTCAGTCTCCCGTACCTTCCCTGCAGACTCACTTCATGCAGTGCACCGA[G>A]GACAACACCCACTTTGAGGGCATAGACTGTGAGGTCTTCGAGGCCCCCGAGCCCATGACC-3'
Protein context (NP_004311.1, residues 868-888): SQLTHFMQCT[Glu878=]DNTHFEGIDC

ClinVar aggregate classification (germline): Likely benign. Review status: criteria provided, multiple submitters, no conflicts (2 of 4 stars). 3 submissions from 3 submitters: Likely benign (3). Last evaluated 2025-12-18.

Conditions:
ATP2A1-related disorder. Also called: ATP2A1-related condition.
Brody myopathy. Also called: BRODY DISEASE. Identifiers: Orphanet 53347, MedGen C1832918, MONDO:0010977, OMIM 601003.

Allele frequency attached by ClinVar (database versions not stated): ExAC 0.00002; TOPMed 0.00002; gnomAD exomes 0.00001.
gnomAD v4.1: 21 of 1,613,854 alleles (0.0013%); highest among the groups gnomAD compares: Non-Finnish European, 0.0016%; no homozygotes.

Submissions (3):

Labcorp Genetics (formerly Invitae), Labcorp
Classification: Likely benign for Brody myopathy. Last evaluated: 2025-12-18. Review status: criteria provided, single submitter. Criteria: Invitae Variant Classification Sherloc (09022015). Collection method: clinical testing. Allele origin: germline.

PreventionGenetics, part of Exact Sciences
Classification: Likely benign for ATP2A1-related condition. Last evaluated: 2025-03-07. Review status: criteria provided, single submitter. Criteria: ACMG Guidelines, 2015. Collection method: clinical testing. Allele origin: germline.
Comment: This variant is classified as likely benign based on ACMG/AMP sequence variant interpretation guidelines (Richards et al. 2015 PMID: 25741868, with internal and published modifications).

GeneDx
Classification: Likely benign. Last evaluated: 2016-07-19. Review status: criteria provided, single submitter. Criteria: GeneDx Variant Classification (06012015). Collection method: clinical testing. Allele origin: germline. Affected: yes.
Comment: This variant is considered likely benign or benign based on one or more of the following criteria: it is a conservative change, it occurs at a poorly conserved position in the protein, it is predicted to be benign by multiple in silico algorithms, and/or has population frequency not consistent with disease.